The following is an entry in ClinVar:

NM_174934.4(SCN4B):c.606C>T (p.Leu202=)

Gene: SCN4B (sodium voltage-gated channel beta subunit 4; minus strand). Cytogenetic location: 11q23.3.
Variant type: single nucleotide variant.
Coding change: c.606C>T on transcript NM_174934.4 (MANE Select); coding-DNA position 606, C replaced by T.
Protein change: p.Leu202=; no amino-acid change (leucine 202 retained).
Molecular consequence: synonymous variant. On other transcripts: non-coding transcript variant (1).
Genome position (GRCh38, 1-based): chr11:118,137,108, G>A on the plus strand (C>T on the coding strand, the complement: SCN4B is on the minus strand). VCF-style: chr11-118137108-G-A. GRCh37 (hg19) VCF-style: chr11-118007823-G-A.
Other names: c.204C>T, p.Leu68= (NM_001142348.2); c.276C>T, p.Leu92= (NM_001142349.2).
Identifiers: ClinVar variation 390571 (VCV000390571.11), dbSNP rs1047192753, ClinGen allele CA16606245.

ClinVar aggregate classification (germline): Likely benign. Review status: criteria provided, multiple submitters, no conflicts (2 of 4 stars). 3 submissions from 3 submitters: Likely benign (2). 1 of the submissions does not count toward it. Last evaluated 2024-12-17.

Conditions:
SCN4B-related disorder. Also called: SCN4B-related condition.
Long QT syndrome 10 (LQT10). Identifiers: Orphanet 101016, Orphanet 768, MedGen C2678484, MONDO:0012737, OMIM 611819.

Allele frequency attached by ClinVar (database versions not stated): gnomAD 0.00001; gnomAD exomes 0.00001; TOPMed 0.00003.
gnomAD v4.1: 9 of 1,612,854 alleles (0.00056%); highest among the groups gnomAD compares: Admixed American, 0.0033%; no homozygotes.

Submissions (3):

Labcorp Genetics (formerly Invitae), Labcorp
Classification: Likely benign for Long QT syndrome 10. Last evaluated: 2024-12-17. Review status: criteria provided, single submitter. Criteria: Invitae Variant Classification Sherloc (09022015). Collection method: clinical testing. Allele origin: germline.

GeneDx
Classification: Likely benign. Last evaluated: 2016-11-07. Review status: criteria provided, single submitter. Criteria: GeneDx Variant Classification (06012015). Collection method: clinical testing. Allele origin: germline. Affected: yes.
Comment: This variant is considered likely benign or benign based on one or more of the following criteria: it is a conservative change, it occurs at a poorly conserved position in the protein, it is predicted to be benign by multiple in silico algorithms, and/or has population frequency not consistent with disease.

PreventionGenetics, part of Exact Sciences
Classification: Likely benign for SCN4B-related condition. Last evaluated: 2019-07-13. Review status: no assertion criteria provided. Collection method: clinical testing. Allele origin: germline. Not counted in ClinVar's aggregate classification.
Comment: This variant is classified as likely benign based on ACMG/AMP sequence variant interpretation guidelines (Richards et al. 2015 PMID: 25741868, with internal and published modifications).